The following is an entry in ClinVar:

ClinVar aggregate classification (germline): Pathogenic. Review status: reviewed by expert panel (3 of 4 stars). 15 submissions from 15 submitters: Pathogenic (1). 14 of the submissions do not count toward it. Last evaluated 2016-04-22.

Conditions:
Hereditary cancer-predisposing syndrome. Also called: Hereditary Cancer Syndrome; Hereditary neoplastic syndrome; Neoplastic Syndromes, Hereditary; Tumor predisposition. Identifiers: Orphanet 140162, MedGen C0027672, MeSH D009386, MONDO:0015356.
Inherited breast cancer and ovarian cancer.
Breast-ovarian cancer, familial, susceptibility to, 1 (BROVCA1). Also called: BRCA1 Hereditary Breast and Ovarian Cancer; OVARIAN CANCER, SUSCEPTIBILITY TO. Identifiers: Orphanet 145, MedGen C2676676, MONDO:0011450, OMIM 604370. Disease mechanism: loss of function.
Hereditary breast ovarian cancer syndrome. Also called: BRCA1- and BRCA2-Associated Hereditary Breast and Ovarian Cancer; Hereditary breast and ovarian cancer syndrome; Hereditary breast and ovarian cancer syndrome (HBOC); Breast and ovarian cancer; Hereditary breast and/or ovarian cancer syndrome; Hereditary breast and ovarian cancer. Identifiers: Orphanet 145, MedGen C0677776, MeSH D061325, MONDO:0003582. Disease mechanism: loss of function.

Submissions 1 to 9 of 15:

Evidence-based Network for the Interpretation of Germline Mutant Alleles (ENIGMA)
Classification: Pathogenic for Breast-ovarian cancer, familial, susceptibility to, 1. Last evaluated: 2016-04-22. Review status: reviewed by expert panel. Criteria: ENIGMA BRCA1/2 Classification Criteria (2015). Collection method: curation. Allele origin: germline.
Comment: Variant allele predicted to encode a truncated non-functional protein.

Genetics Laboratory, Great Ormond Street Hospital NHS Foundation Trust, North Thames Genomic Laboratory Hub
Classification: Pathogenic for Inherited breast cancer and ovarian cancer. Last evaluated: 2026-03-05. Review status: criteria provided, single submitter. Criteria: CanVIG BRCA Gene Specific V1.22. Collection method: clinical testing. Allele origin: germline. Affected: yes. Not counted in ClinVar's aggregate classification.
Comment: PS4_moderate, PM2_supporting, PVS1_very-strong, PM5_strong

Labcorp Genetics (formerly Invitae), Labcorp
Classification: Pathogenic for Hereditary breast ovarian cancer syndrome. Last evaluated: 2026-01-04. Review status: criteria provided, single submitter. Criteria: Invitae Variant Classification Sherloc (09022015). Collection method: clinical testing. Allele origin: germline. Not counted in ClinVar's aggregate classification.
Comment: This sequence change creates a premature translational stop signal (p.Cys24Serfs*13) in the BRCA1 gene. It is expected to result in an absent or disrupted protein product. Loss-of-function variants in BRCA1 are known to be pathogenic (PMID: 20104584). This variant is not present in population databases (gnomAD no frequency). This premature translational stop signal has been observed in individual(s) with breast cancer and ovarian cancer (PMID: 2246425, 7837387, 10498392, 20104584, 22711857, 25682074, 26543556). This variant is also known as 188del11 and 189del11. ClinVar contains an entry for this variant (Variation ID: 55676). Studies have shown that this premature translational stop signal is associated with inconclusive levels of altered splicing (internal data). For these reasons, this variant has been classified as Pathogenic.

Ambry Genetics
Classification: Pathogenic for Hereditary cancer-predisposing syndrome. Last evaluated: 2025-08-21. Review status: criteria provided, single submitter. Criteria: Ambry Variant Classification Scheme 2023. Collection method: clinical testing. Allele origin: germline. Not counted in ClinVar's aggregate classification.
Comment: The c.70_80del11 pathogenic mutation, located in coding exon 1 of the BRCA1 gene, results from a deletion of 11 nucleotides at nucleotide positions 70 to 80, causing a translational frameshift with a predicted alternate stop codon (p.C24Sfs*13). This mutation has been reported in multiple individuals with hereditary breast, ovarian, and/or pancreatic cancer (Berman DB et al. Am. J. Hum. Genet. 1996 Jun;58:1166-76; Frank TS et al. J. Clin. Oncol. 2002 Mar;20:1480-90; Kurian A et al. J. Clin. Oncol. 2008 Oct;26(29):4752-8; Shindo K et al. J. Clin. Oncol. 2017 Oct;35(30):3382-3390). Of note, this alteration is also designated as 188del11 and 189del11 in published literature. In addition to the clinical data presented in the literature, this alteration is expected to result in loss of function by premature protein truncation or nonsense-mediated mRNA decay. As such, this alteration is interpreted as a disease-causing mutation.

Baylor Genetics
Classification: Pathogenic for Breast-ovarian cancer, familial, susceptibility to, 1. Last evaluated: 2024-03-29. Review status: criteria provided, single submitter. Criteria: ACMG Guidelines, 2015. Collection method: clinical testing. Allele origin: unknown. Not counted in ClinVar's aggregate classification.

All of Us Research Program, National Institutes of Health
Classification: Pathogenic for Breast-ovarian cancer, familial, susceptibility to, 1. Last evaluated: 2023-11-27. Review status: criteria provided, single submitter. Criteria: ACMG Guidelines, 2015. Collection method: clinical testing. Allele origin: germline. Inheritance: Autosomal dominant inheritance. Observed: 1 variant allele, 1 heterozygote. Not counted in ClinVar's aggregate classification.
Comment: This variant deletes the last 11 nucleotides in exon 2 in the BRCA1 gene, creating a frameshift and premature translation stop signal. This variant is expected to result in an absent or non-functional protein product. This variant is also known as 188del11 and 189del11 in the literature. This variant has been detected in over 10 individuals and families affected with breast and ovarian cancer (PMID: 7837387, 8651293, 10498392, 18779604, 22711857, 25682074, 26543556) and one individual each affected with endometrial (PMID: 8651293) and pancreatic cancer (PMID: 28767289). This variant has been identified in 21 families among the CIMBA participants (PMID: 29446198). This variant has not been identified in the general population by the Genome Aggregation Database (gnomAD). Loss of BRCA1 function is a known mechanism of disease. Based on the available evidence, this variant is classified as Pathogenic.

This study involves interpretation of variants in research participants for the purpose of population health screening. Participant phenotype was not available at the time of variant classification. Additional details can be found in publication PMID: 35346344, PMCID: PMC8962531

GeneDx
Classification: Pathogenic. Last evaluated: 2023-07-18. Review status: criteria provided, single submitter. Criteria: GeneDx Variant Classification Process June 2021. Collection method: clinical testing. Allele origin: germline. Affected: yes. Not counted in ClinVar's aggregate classification.
Comment: Frameshift variant predicted to result in protein truncation or nonsense mediated decay in a gene for which loss-of-function is a known mechanism of disease; Not observed in large population cohorts (gnomAD); Truncating variants in this gene are considered pathogenic by a well-established clinical consortium and/or database; Also known as 189_199del11 or c.69_79delGTGTCCCATCT; This variant is associated with the following publications: (PMID: 16267036, 7837387, 7545954, 18779604, 26543556, 8651293, 12402332, 10498392, 8533757, 28767289, 31090900, 30787465, 31464824, 25682074, 36098958, 34022715, 34887416)

Quest Diagnostics Nichols Institute San Juan Capistrano
Classification: Pathogenic. Last evaluated: 2022-07-22. Review status: criteria provided, single submitter. Criteria: Quest Diagnostics criteria. Collection method: clinical testing. Allele origin: unknown. Not counted in ClinVar's aggregate classification.
Comment: This variant alters the translational reading frame of the BRCA1 mRNA and causes the premature termination of BRCA1 protein synthesis. It has not been reported in large, multi-ethnic general populations. In the published literature, this variant has been reported in individuals with breast cancer, PMIDs: 22711857 (2012), 26543556 (2015), and 25682074 (2015)) and pancreatic cancer (PMID: 28767289 (2017)). Based on the available information, this variant is classified as pathogenic.

Color Diagnostics, LLC DBA Color Health
Classification: Pathogenic for Hereditary cancer-predisposing syndrome. Last evaluated: 2022-04-19. Review status: criteria provided, single submitter. Criteria: ACMG Guidelines, 2015. Collection method: clinical testing. Allele origin: germline. Not counted in ClinVar's aggregate classification.
Comment: This variant deletes the last 11 nucleotides in exon 2 in the BRCA1 gene, creating a frameshift and premature translation stop signal. This variant is expected to result in an absent or non-functional protein product. This variant is also known as 188del11 and 189del11 in the literature. This variant has been detected in over 10 individuals and families affected with breast and ovarian cancer (PMID: 7837387, 8651293, 10498392, 18779604, 22711857, 25682074, 26543556) and one individual each affected with endometrial (PMID: 8651293) and pancreatic cancer (PMID: 28767289). This variant has been identified in 21 families among the CIMBA participants (PMID: 29446198). This variant has not been identified in the general population by the Genome Aggregation Database (gnomAD). Loss of BRCA1 function is a known mechanism of disease. Based on the available evidence, this variant is classified as Pathogenic.

NM_007294.4(BRCA1):c.69_79delGTGTCCCATCT (p.Cys24fs)

Gene: BRCA1 (BRCA1 DNA repair associated; minus strand). Cytogenetic location: 17q21.31.
Variant type: Deletion.
Coding change: c.69_79delGTGTCCCATCT on transcript NM_007294.4 (MANE Select); coding-DNA positions 69 to 79, GTGTCCCATCT deleted.
Protein change: p.Cys24fs; shifts the reading frame from cysteine 24.
Molecular consequence: frameshift variant. On other transcripts: 5 prime UTR variant (1), non-coding transcript variant (1).
Genome position: GRCh38 VCF-style: chr17-43124016-CCAGATGGGACA-C. GRCh37 (hg19) VCF-style: chr17-41276033-CCAGATGGGACA-C.
Other names: 189del11; 188del11; 189_199delTGTCCCATCTG; c.70_80delTGTCCCATCTG (NM_007294.3); c.70_80del (NM_007294.4); c.-18_-8del (NM_007297.4); c.69_79delGTGTCCCATCT, p.Cys24fs (NM_007299.4, NM_007300.4); short protein forms C24fs.
Identifiers: ClinVar variation 55676 (VCV000055676.36), dbSNP rs80357696, ClinGen allele CA003827.